The following is an entry in ClinVar:

ClinVar aggregate classification (germline): Pathogenic (1 of 4 stars; one submission).

Submission:

Labcorp Genetics (formerly Invitae), Labcorp
Classification: Pathogenic. Last evaluated: 2023-07-13. Review status: criteria provided, single submitter. Criteria: Invitae Variant Classification Sherloc (09022015). Collection method: clinical testing. Allele origin: germline.
Comment: For these reasons, this variant has been classified as Pathogenic. Algorithms developed to predict the effect of sequence changes on RNA splicing suggest that this variant may disrupt the consensus splice site. This variant has not been reported in the literature in individuals affected with DNM1L-related conditions. This variant is not present in population databases (gnomAD no frequency). This sequence change creates a premature translational stop signal (p.Glu566*) in the DNM1L gene. It is expected to result in an absent or disrupted protein product. Loss-of-function variants in DNM1L are known to be pathogenic (PMID: 26825290, 27328748).

Literature cited by the submitters: PubMed 26825290; PubMed 27328748.

NM_012062.5(DNM1L):c.1696G>T (p.Glu566Ter)

Gene: DNM1L (dynamin 1 like; plus strand). Cytogenetic location: 12p11.21.
Variant type: single nucleotide variant.
Coding change: c.1696G>T on transcript NM_012062.5 (MANE Select); coding-DNA position 1696, G replaced by T.
Protein change: p.Glu566Ter; replaces glutamic acid 566 with a stop codon.
Molecular consequence: nonsense. On other transcripts: intron variant (4).
Genome position (GRCh38, 1-based): chr12:32,738,285, G>T. VCF-style: chr12-32738285-G-T. GRCh37 (hg19) VCF-style: chr12-32891219-G-T.
Other names: c.1735G>T, p.Glu579Ter (NM_001278464.2); c.1087G>T, p.Glu363Ter (NM_001278466.2); c.1618G>T, p.Glu540Ter (NM_012063.4); c.1713+343G>T (NM_001278465.2); c.1635+1124G>T (NM_001330380.2); c.1674+343G>T (NM_001278463.2); c.1596+1124G>T (NM_005690.5); short protein forms E566*, E579*, E363*, E540*.
Identifiers: ClinVar variation 3023647 (VCV003023647.3), dbSNP rs1396008534, ClinGen allele CA384361489.